The following is an entry in ClinVar:

ClinVar aggregate classification (germline): Uncertain significance (1 of 4 stars; one submission).

Conditions:
Tuberous sclerosis 2 (TSC2). Identifiers: Orphanet 805, MedGen C1860707, MONDO:0013199, OMIM 613254.

Allele frequency attached by ClinVar (database versions not stated): TOPMed below 0.00001.

Submission:

Labcorp Genetics (formerly Invitae), Labcorp
Classification: Uncertain significance for Tuberous sclerosis 2. Last evaluated: 2024-03-27. Review status: criteria provided, single submitter. Criteria: Invitae Variant Classification Sherloc (09022015). Collection method: clinical testing. Allele origin: germline.
Comment: This sequence change replaces glutamic acid, which is acidic and polar, with lysine, which is basic and polar, at codon 652 of the TSC2 protein (p.Glu652Lys). This variant is not present in population databases (gnomAD no frequency). This variant has not been reported in the literature in individuals affected with TSC2-related conditions. ClinVar contains an entry for this variant (Variation ID: 1014916). Advanced modeling of protein sequence and biophysical properties (such as structural, functional, and spatial information, amino acid conservation, physicochemical variation, residue mobility, and thermodynamic stability) performed at Invitae indicates that this missense variant is not expected to disrupt TSC2 protein function with a negative predictive value of 95%. In summary, the available evidence is currently insufficient to determine the role of this variant in disease. Therefore, it has been classified as a Variant of Uncertain Significance.

NM_000548.5(TSC2):c.1954G>A (p.Glu652Lys)

Gene: TSC2 (TSC complex subunit 2; plus strand). Cytogenetic location: 16p13.3.
Variant type: single nucleotide variant.
Coding change: c.1954G>A on transcript NM_000548.5 (MANE Select); coding-DNA position 1954, G replaced by A.
Protein change: p.Glu652Lys; replaces glutamic acid 652 with lysine.
Molecular consequence: missense variant.
Genome position (GRCh38, 1-based): chr16:2,071,791, G>A. VCF-style: chr16-2071791-G-A. GRCh37 (hg19) VCF-style: chr16-2121792-G-A.
Other names: c.1954G>A, p.Glu652Lys (NM_001114382.3, NM_001077183.3, NM_001363528.2 and 3 more transcripts); c.1843G>A, p.Glu615Lys (NM_001318827.2); c.1807G>A, p.Glu603Lys (NM_001318829.2); c.1354G>A, p.Glu452Lys (NM_001318831.2); c.1987G>A, p.Glu663Lys (NM_001318832.2); short protein forms E452K, E603K, E615K, E652K, E663K.
Identifiers: ClinVar variation 1014916 (VCV001014916.8), dbSNP rs1555505954, ClinGen allele CA394273588.